The following is an entry in ClinVar:

ClinVar aggregate classification (germline): Uncertain significance (1 of 4 stars; one submission).

Conditions:
Inborn genetic diseases. Identifiers: MedGen C0950123, MeSH D030342.

Submission:

Ambry Genetics
Classification: Uncertain significance for Inborn genetic diseases. Last evaluated: 2024-07-03. Review status: criteria provided, single submitter. Criteria: Ambry Variant Classification Scheme 2023. Collection method: clinical testing. Allele origin: germline.
Comment: The p.I20T variant (also known as c.59T>C), located in coding exon 1 of the LRRK2 gene, results from a T to C substitution at nucleotide position 59. The isoleucine at codon 20 is replaced by threonine, an amino acid with similar properties. This amino acid position is conserved. In addition, this alteration is predicted to be tolerated by in silico analysis. Based on the available evidence, the clinical significance of this variant remains unclear.

NM_198578.4(LRRK2):c.59T>C (p.Ile20Thr)

Gene: LRRK2 (leucine rich repeat kinase 2; plus strand). Cytogenetic location: 12q12.
Variant type: single nucleotide variant.
Coding change: c.59T>C on transcript NM_198578.4 (MANE Select); coding-DNA position 59, T replaced by C.
Protein change: p.Ile20Thr; replaces isoleucine 20 with threonine.
Molecular consequence: missense variant.
Genome position (GRCh38, 1-based): chr12:40,225,190, T>C. VCF-style: chr12-40225190-T-C. GRCh37 (hg19) VCF-style: chr12-40618992-T-C.
Other names: short protein forms I20T.
Identifiers: ClinVar variation 3540512 (VCV003540512.1).